The following is an entry in ClinVar:

NM_001395656.1(ROBO2):c.3653C>T (p.Thr1218Met)

Gene: ROBO2 (roundabout guidance receptor 2; plus strand). Cytogenetic location: 3p12.3.
Variant type: single nucleotide variant.
Coding change: c.3653C>T on transcript NM_001395656.1 (MANE Select); coding-DNA position 3653, C replaced by T.
Protein change: p.Thr1218Met; replaces threonine 1218 with methionine.
Molecular consequence: missense variant.
Genome position (GRCh38, 1-based): chr3:77,622,313, C>T. VCF-style: chr3-77622313-C-T. GRCh37 (hg19) VCF-style: chr3-77671464-C-T.
Other names: c.3689C>T, p.Thr1230Met (NM_001128929.3); c.3653C>T, p.Thr1218Met (NM_001290039.2, NM_001290040.2); c.1862C>T, p.Thr621Met (NM_001290065.2); c.3701C>T, p.Thr1234Met (NM_001378190.1, NM_001378200.1, NM_001378201.1 and 1 more transcripts); c.3827C>T, p.Thr1276Met (NM_001378191.1, NM_001378195.1, NM_001378196.1); c.3722C>T, p.Thr1241Met (NM_001378192.1, NM_001378198.1, NM_001378199.1); c.3641C>T, p.Thr1214Met (NM_001378193.1, NM_002942.5); c.3839C>T, p.Thr1280Met (NM_001378194.1); and 5 more; short protein forms T1218M, T1237M, T1279M, T1280M, T1234M, T1256M, T1214M, T1215M.
Identifiers: ClinVar variation 4738519 (VCV004738519.1).

ClinVar aggregate classification (germline): Uncertain significance (1 of 4 stars; one submission).

gnomAD v4.1: 30 of 1,613,984 alleles (0.0019%); highest among the groups gnomAD compares: Admixed American, 0.02%; no homozygotes.

Submission:

Labcorp Genetics (formerly Invitae), Labcorp
Classification: Uncertain significance. Last evaluated: 2025-08-10. Review status: criteria provided, single submitter. Criteria: Invitae Variant Classification Sherloc (09022015). Collection method: clinical testing. Allele origin: germline.
Comment: This sequence change replaces threonine, which is neutral and polar, with methionine, which is neutral and non-polar, at codon 1214 of the ROBO2 protein (p.Thr1214Met). This variant is present in population databases (rs779588640, gnomAD 0.03%). This variant has not been reported in the literature in individuals affected with ROBO2-related conditions. Invitae Evidence Modeling of protein sequence and biophysical properties (such as structural, functional, and spatial information, amino acid conservation, physicochemical variation, residue mobility, and thermodynamic stability) indicates that this missense variant is not expected to disrupt ROBO2 protein function with a negative predictive value of 95%. In summary, the available evidence is currently insufficient to determine the role of this variant in disease. Therefore, it has been classified as a Variant of Uncertain Significance.